The following is an entry in ClinVar:

ClinVar aggregate classification (germline): Likely pathogenic (1 of 4 stars; one submission).

Conditions:
Autosomal recessive complex spastic paraplegia type 9B. Also called: Spastic paraplegia 9b, autosomal recessive. Identifiers: Orphanet 447760, MedGen C5568980, MONDO:0014702, OMIM 616586.

Allele frequency attached by ClinVar (database versions not stated): gnomAD exomes below 0.00001 and 0.00001; ExAC 0.00003.
gnomAD v4.1: 2 of 1,606,722 alleles (0.00012%); highest among the groups gnomAD compares: Admixed American, 0.0034%; no homozygotes.

Submission:

3billion
Classification: Likely pathogenic for Autosomal recessive complex spastic paraplegia type 9B. Last evaluated: 2022-01-03. Review status: criteria provided, single submitter. Criteria: ACMG Guidelines, 2015. Collection method: clinical testing. Allele origin: germline. Affected: yes. Observed: 1 heterozygote.
Comment: In silico tool predictions suggest damaging effect of the variant on gene or gene product (REVEL: 0.915, PP3_P). A missense variant is a common mechanism associated with Spastic paraplegia 9B (PP2_P). It is observed at an extremely low frequency in the gnomAD v2.1.1 dataset (total allele frequency: 0.000008, PM2_M). The variant was ovserved to be in trans with other pathogenic variant (3billion dataset, PM3_M). Therefore, this variant is classified as likely pathogenic according to the recommendation of ACMG/AMP guideline.

NM_002860.4(ALDH18A1):c.1481C>T (p.Ala494Val)

Gene: ALDH18A1 (aldehyde dehydrogenase 18 family member A1; minus strand). Cytogenetic location: 10q24.1.
Variant type: single nucleotide variant.
Coding change: c.1481C>T on transcript NM_002860.4 (MANE Select); coding-DNA position 1481, C replaced by T.
Protein change: p.Ala494Val; replaces alanine 494 with valine.
Molecular consequence: missense variant.
Genome position (GRCh38, 1-based): chr10:95,616,601, G>A on the plus strand (C>T on the coding strand, the complement: ALDH18A1 is on the minus strand). VCF-style: chr10-95616601-G-A. GRCh37 (hg19) VCF-style: chr10-97376358-G-A.
Other names: c.1475C>T, p.Ala492Val (NM_001017423.2, NM_001323415.2); c.1148C>T, p.Ala383Val (NM_001323412.2, NM_001323416.2); c.1481C>T, p.Ala494Val (NM_001323413.2, NM_001323414.2); c.1376C>T, p.Ala459Val (NM_001323417.2); c.1142C>T, p.Ala381Val (NM_001323418.2); c.845C>T, p.Ala282Val (NM_001323419.2); short protein forms A282V, A381V, A383V, A459V, A492V, A494V.
Identifiers: ClinVar variation 1333680 (VCV001333680.1), dbSNP rs762154638, ClinGen allele CA5620295.